The following is an entry in ClinVar:

ClinVar aggregate classification (germline): Pathogenic (1 of 4 stars; one submission).

Submission:

Labcorp Genetics (formerly Invitae), Labcorp
Classification: Pathogenic. Last evaluated: 2019-12-11. Review status: criteria provided, single submitter. Criteria: Invitae Variant Classification Sherloc (09022015). Collection method: clinical testing. Allele origin: germline.
Comment: For these reasons, this variant has been classified as Pathogenic. Loss-of-function variants in TCIRG1 are known to be pathogenic (PMID: 10888887, 10942435, 11532986, 19448635). This variant has not been reported in the literature in individuals with TCIRG1-related conditions. This variant is not present in population databases (ExAC no frequency). This sequence change creates a premature translational stop signal (p.Ala417Profs*13) in the TCIRG1 gene. It is expected to result in an absent or disrupted protein product.

Literature cited by the submitters: PubMed 10888887; PubMed 10942435; PubMed 11532986; PubMed 19448635.

NM_006019.4(TCIRG1):c.1249del (p.Ala417fs)

Gene: TCIRG1 (T cell immune regulator 1, ATPase H+ transporting V0 subunit a3; plus strand). Cytogenetic location: 11q13.2.
Variant type: Deletion.
Coding change: c.1249del on transcript NM_006019.4 (MANE Select); coding-DNA position 1249, one base deleted (G; older notation c.1249delG).
Protein change: p.Ala417fs; shifts the reading frame from alanine 417.
Molecular consequence: frameshift variant.
Genome position (GRCh38, 1-based): chr11:68,047,516, G deleted. VCF-style (leftmost placement, unchanged base first): chr11-68047515-CG-C. GRCh37 (hg19) VCF-style: chr11-67814982-CG-C.
Other names: c.355del, p.Ala119fs (NM_001351059.2); c.601del, p.Ala201fs (NM_006053.4); short protein forms A201fs, A119fs, A417fs.
Identifiers: ClinVar variation 862182 (VCV000862182.7), dbSNP rs1839400126, ClinGen allele CA916080430.